The following is an entry in ClinVar:

ClinVar aggregate classification (germline): Uncertain significance (1 of 4 stars; one submission).

Conditions:
Inborn genetic diseases. Identifiers: MedGen C0950123, MeSH D030342.

Allele frequency attached by ClinVar (database versions not stated): gnomAD exomes below 0.00001.
gnomAD v4.1: 2 of 1,613,880 alleles (0.00012%); highest among the groups gnomAD compares: Non-Finnish European, 0.000085%; no homozygotes.

Submission:

Ambry Genetics
Classification: Uncertain significance for Inborn genetic diseases. Last evaluated: 2016-05-15. Review status: criteria provided, single submitter. Criteria: Ambry Variant Classification Scheme 2023. Collection method: clinical testing. Allele origin: germline.
Comment: The p.D1479G variant (also known as c.4436A>G), located in coding exon 10 of the MBD5 gene, results from an A to G substitution at nucleotide position 4436. The aspartic acid at codon 1479 is replaced by glycine, an amino acid with similar properties. This variant was not reported in population based cohorts in the following databases: Database of Single Nucleotide Polymorphisms (dbSNP), NHLBI Exome Sequencing Project (ESP), and 1000 Genomes Project. In the ESP, this variant was not observed in 6503 samples (13006 alleles) with coverage at this position. This amino acid position is highly conserved in available vertebrate species. In addition, the in silico prediction for this alteration is inconclusive. Since supporting evidence is limited at this time, the clinical significance of this variation remains unclear.

NM_001378120.1(MBD5):c.5135A>G (p.Asp1712Gly)

Gene: MBD5 (methyl-CpG binding domain protein 5; plus strand). Cytogenetic location: 2q23.1.
Variant type: single nucleotide variant.
Coding change: c.5135A>G on transcript NM_001378120.1 (MANE Select); coding-DNA position 5135, A replaced by G.
Protein change: p.Asp1712Gly; replaces aspartic acid 1712 with glycine.
Molecular consequence: missense variant.
Genome position (GRCh38, 1-based): chr2:148,512,892, A>G. VCF-style: chr2-148512892-A-G. GRCh37 (hg19) VCF-style: chr2-149270461-A-G.
Other names: c.4436A>G, p.Asp1479Gly (NM_018328.5); short protein forms D1479G, D1712G.
Identifiers: ClinVar variation 589287 (VCV000589287.5), dbSNP rs1559110260, ClinGen allele CA348859377.